The following is an entry in ClinVar:

NM_001399.5(EDA):c.1094T>C (p.Val365Ala)

Gene: EDA (ectodysplasin A; plus strand). Cytogenetic location: Xq13.1.
Variant type: single nucleotide variant.
Coding change: c.1094T>C on transcript NM_001399.5 (MANE Select); coding-DNA position 1094, T replaced by C.
Protein change: p.Val365Ala; replaces valine 365 with alanine.
Molecular consequence: missense variant.
Genome position (GRCh38, 1-based): chrX:70,035,527, T>C. VCF-style: chrX-70035527-T-C. GRCh37 (hg19) VCF-style: chrX-69255377-T-C.
Other names: c.1079T>C, p.Val360Ala (NM_001005612.3); c.1088T>C, p.Val363Ala (NM_001005609.2); short protein forms V365A, V360A, V363A.
Identifiers: ClinVar variation 44185 (VCV000044185.30), dbSNP rs397516654, ClinGen allele CA133741.

ClinVar aggregate classification (germline): Pathogenic/Likely pathogenic. Review status: criteria provided, multiple submitters, no conflicts (2 of 4 stars). 10 submissions from 10 submitters: Pathogenic (3); Likely pathogenic (7). Last evaluated 2026-05-04.

Conditions:
EDA-related disorder. Also called: EDA-related condition; EDA-related disorders.
Hypohidrotic X-linked ectodermal dysplasia (XHED). Also called: Ectodermal Dysplasia 1, Anhidrotic; Anhidrotic ectodermal dysplasia X-linked; Christ Siemens Touraine syndrome; ECTODERMAL DYSPLASIA 1, HYPOHIDROTIC, X-LINKED; ECTODERMAL DYSPLASIA 1, HYPOHIDROTIC/HAIR/TOOTH TYPE, X-LINKED; ECTODERMAL DYSPLASIA, HYPOHIDROTIC, 1. Identifiers: Orphanet 181, Orphanet 238468, MedGen C0162359, MONDO:0010585, OMIM 305100.
Tooth agenesis, selective, X-linked, 1 (STHAGX1). Also called: HYPODONTIA/OLIGODONTIA, X-LINKED, 1. Identifiers: Orphanet 99798, MedGen C1970757, MONDO:0010741, OMIM 313500. Disease mechanism: loss of function.
Inborn genetic diseases. Identifiers: MedGen C0950123, MeSH D030342.
Hypodontia. Also called: Partial congenital absence of teeth; Tooth agenesis, selective. Identifiers: Orphanet 99798, MedGen C0020608, MONDO:0005486, HP:0000668. Disease mechanism: loss of function.

Allele frequency attached by ClinVar (database versions not stated): gnomAD exomes 0.00001 and 0.00005; gnomAD 0.00003; TOPMed 0.00004.
gnomAD v4.1: 52 of 1,205,588 alleles (0.0043%); highest among the groups gnomAD compares: Non-Finnish European, 0.0056%; no homozygotes.

Submissions (10):

Victorian Clinical Genetics Services, Murdoch Childrens Research Institute
Classification: Pathogenic for Tooth agenesis, selective, X-linked, 1. Last evaluated: 2026-05-04. Review status: criteria provided, single submitter. Criteria: ACMG Guidelines, 2015. Collection method: clinical testing. Allele origin: germline. Affected: yes.
Comment: This variant is classified as Pathogenic. Evidence in support of pathogenic classification: Variant is present in gnomAD <0.01 (v4: 38 heterozygote(s), 0 homozygote(s), 14 hemizygote(s)); This variant has strong previous evidence of pathogenicity in unrelated individuals. This variant has been classified as likely pathogenic/pathogenic by multiple clinical laboratories in ClinVar. This variant has also been reported in a hemizygous state in a multigenerational family with many affected individuals with selective tooth agenesis (PMID: 19623212); This variant has strong evidence for segregation with disease. Multiple individuals with tooth agenesis from a multi-generational family were all hemizygous for this variant, while individuals who were heterozygous for the variant were unaffected (PMID: 19623212); Another missense variant comparable to the one identified in this case has limited previous evidence for pathogenicity. The p.(Val365Met) variant has been classified as likely pathogenic by clinical laboratories in ClinVar. Additional information: Variant is predicted to result in a missense amino acid change from Val to Ala; This variant is hemizygous; This gene is associated with both X-linked recessive and dominant disease (PMID: 18510547, 16583127); Alternative amino acid change(s) at the same position are present in gnomAD (highest allele count: v4: 0 heterozygote(s), 0 homozygote(s), 1 hemizygote(s)); Variant is located in the annotated tumour necrosis factor family domain (DECIPHER); Missense variant with inconclusive in silico prediction and/or uninformative conservation; Loss of function is a known mechanism of disease in this gene and is associated with X-linked ectodermal dysplasia 1, hypohidrotic (MIM#305100) and X-linked dominant tooth agenesis, selective 1 (MIM#313500); Inheritance information for this variant is not currently available in this individual.

PreventionGenetics, part of Exact Sciences
Classification: Likely pathogenic for EDA-related condition. Last evaluated: 2026-04-07. Review status: criteria provided, single submitter. Criteria: ACMG Guidelines, 2015. Collection method: clinical testing. Allele origin: germline.
Comment: The EDA c.1094T>C variant is predicted to result in the amino acid substitution p.Val365Ala. This variant was reported to segregate with male patients affected with selective tooth agenesis in a large four-generation family, while all five female carriers in this family had full dentition without shape or size abnormality. Functional studies suggest that this variant impacts EDA signaling capacity, but does not impact receptor binding, protein export, or protein production (Mues et al. 2010. PubMed ID: 19623212). In addition, this variant has been classified as likely pathogenic or pathogenic by different outside clinical laboratories (Variation ID: 44185). At PreventionGenetics, we have found this variant in multiple patients with clinical features of tooth agenesis/ectodermal dysplasia (internal data). This variant is reported in 0.0025% of alleles in individuals of European (Non-Finnish) descent in gnomAD. This variant is interpreted as likely pathogenic.

Labcorp Genetics (formerly Invitae), Labcorp
Classification: Pathogenic for Hypohidrotic X-linked ectodermal dysplasia. Last evaluated: 2025-12-15. Review status: criteria provided, single submitter. Criteria: Invitae Variant Classification Sherloc (09022015). Collection method: clinical testing. Allele origin: germline.
Comment: This sequence change replaces valine, which is neutral and non-polar, with alanine, which is neutral and non-polar, at codon 365 of the EDA protein (p.Val365Ala). This variant is present in population databases (rs397516654, gnomAD 0.003%), including at least one homozygous and/or hemizygous individual. This missense change has been observed in individual(s) with selective tooth agenesis in a single, large family (PMID: 19623212). It has also been observed to segregate with disease in related individuals. ClinVar contains an entry for this variant (Variation ID: 44185). Invitae Evidence Modeling of protein sequence and biophysical properties (such as structural, functional, and spatial information, amino acid conservation, physicochemical variation, residue mobility, and thermodynamic stability) indicates that this missense variant is not expected to disrupt EDA protein function with a negative predictive value of 80%. Experimental studies have shown that this missense change affects EDA function (PMID: 19623212). For these reasons, this variant has been classified as Pathogenic.

Fulgent Genetics
Classification: Likely pathogenic for Hypohidrotic X-linked ectodermal dysplasia; Tooth agenesis, selective, X-linked, 1. Last evaluated: 2024-05-02. Review status: criteria provided, single submitter. Criteria: ACMG Guidelines, 2015. Collection method: clinical testing. Allele origin: germline.

Johns Hopkins Genomics, Johns Hopkins University
Classification: Likely pathogenic for Tooth agenesis, selective, X-linked, 1. Last evaluated: 2023-08-12. Review status: criteria provided, single submitter. Criteria: ACMG Guidelines, 2015. Collection method: clinical testing. Allele origin: germline.
Comment: This EDA variant (rs397516654) is rare (<0.1%) in a large population dataset (gnomAD: 2/182595 total alleles; 0.001%; 1 hemizygote) and has been reported in ClinVar. This variant has been reported in a multi-generation family with X-linked nonsyndromic tooth agenesis. This amino acid substitution is located in the C-terminal quarter of the TNF-like receptor-binding domain, near the dimer interface where receptor binding is predicted to occur; in vitro experimental studies demonstrate that the signaling capacity of protein constructs containing p.Val365Ala are impaired even though cellular production, export and receptor binding are readily detectable. Bioinformatic analysis predicts that this missense variant would not affect normal exon 8 splicing, although this has not been confirmed experimentally to our knowledge. We consider c.1094T>C (p.Val365Ala) to be likely pathogenic for X-linked selected tooth agenesis-1.

Blueprint Genetics
Classification: Likely pathogenic for EDA-related disorders. Last evaluated: 2022-10-07. Review status: criteria provided, single submitter. Criteria: ACMG Guidelines, 2015. Collection method: clinical testing. Allele origin: germline. Affected: yes. Observed: 4 variant alleles.

GeneDx
Classification: Pathogenic. Last evaluated: 2022-06-24. Review status: criteria provided, single submitter. Criteria: GeneDx Variant Classification Process June 2021. Collection method: clinical testing. Allele origin: germline. Affected: yes.
Comment: Published functional studies demonstrate a damaging effect with reduced receptor binding and signaling capability compared to wildtype (Mues et al., 2010); Missense variants in this gene are often considered pathogenic (HGMD); In silico analysis supports that this missense variant does not alter protein structure/function; This variant is associated with the following publications: (PMID: 19623212, 24391090, 20628232, 25203534, 21457804, 26325558, 19921643, 11295832, 23553579, 26345974, 24664614, 12949972, 22350046)

Ambry Genetics
Classification: Likely pathogenic for Inborn genetic diseases. Last evaluated: 2017-03-22. Review status: criteria provided, single submitter. Criteria: Ambry exome assertion method (8-5-2015). Collection method: clinical testing. Allele origin: germline. Affected: yes. Observed: 1 variant allele.

Laboratory for Molecular Medicine, Mass General Brigham Personalized Medicine
Classification: Likely pathogenic for Partial congenital absence of teeth. Last evaluated: 2011-09-20. Review status: criteria provided, single submitter. Criteria: LMM Criteria. Collection method: clinical testing. Allele origin: germline. Inheritance: X-linked inheritance. Observed: 1 variant allele.
Comment: The Val365Ala variant in EDA has been reported in one family with X-linked non-s yndromic tooth agenesis, showing segregation with clinical features in at least 6 meioses in this family. In addition, this variant was absent from over 140 co ntrol chromosomes (Mues 2010). Valine (Val) at position 365 is highly conserved across evolutionarily distant species suggesting that a change to the amino acid may not be tolerated. However, computational analyses (biochemical amino acid properties, homology, PolyPhen2, SIFT, AlignGVGD) do not provide strong support for or against pathogenicity. Furthermore, functional studies suggest that the Val365Arg variant may affect cell signaling pathways, but does not show the same decrease in receptor binding seen in classic HED variants (Mues 2010). In summ ary, this variant is likely to be pathogenic in association with tooth agenesis, but its role the hypohidrotic ectodermal dysplasia phenotype remains unclear.

Rady Children's Institute for Genomic Medicine, Rady Children's Hospital San Diego
Classification: Likely pathogenic for EDA-related disorders. Review status: criteria provided, single submitter. Criteria: ACMG Guidelines, 2015. Collection method: clinical testing. Allele origin: germline. Affected: yes.
Comment: This variant has been observed to segregate with disease in a family with multiple individuals with selective tooth agenesis (PMID: 19623212). Functional studies suggest that the c.1094T>C (p.Val365Ala) variant may affect cell signaling pathways (PMID: 19623212). It is present in the heterozygous state in the gnomAD population database at a frequency of 0.001095% (2/182595) and thus is presumed to be rare. The c.1094T>C (p.Val365Ala) variant affects a highly conserved amino acid. In silico tools used to predict the effect of this variant on protein function yield discordant results. Based on the available evidence, the c.1094T>C p.Val365Ala variant is classified as Likely Pathogenic.

Literature cited by the submitters: PubMed 18510547 (cited by Victorian Clinical Genetics Services, Murdoch Childrens Research Institute); PubMed 19623212 (cited by 4 submitters); PubMed 16583127 (cited by Victorian Clinical Genetics Services, Murdoch Childrens Research Institute).